The following is an entry in ClinVar:

NM_001457.4(FLNB):c.3209C>T (p.Thr1070Ile)

Gene: FLNB (filamin B; plus strand). Cytogenetic location: 3p14.3.
Variant type: single nucleotide variant.
Coding change: c.3209C>T on transcript NM_001457.4 (MANE Select); coding-DNA position 3209, C replaced by T.
Protein change: p.Thr1070Ile; replaces threonine 1070 with isoleucine.
Molecular consequence: missense variant.
Genome position (GRCh38, 1-based): chr3:58,123,175, C>T. VCF-style: chr3-58123175-C-T. GRCh37 (hg19) VCF-style: chr3-58108902-C-T.
Other names: c.3209C>T, p.Thr1070Ile (NM_001164318.2, NM_001164319.2, NM_001164317.2); c.3209C>T (NM_001457.3); short protein forms T1070I.
Identifiers: ClinVar variation 1115836 (VCV001115836.11), dbSNP rs201533113, ClinGen allele CA2468360.

ClinVar aggregate classification (germline): Conflicting classifications of pathogenicity. Review status: criteria provided, conflicting classifications (1 of 4 stars). 3 submissions from 3 submitters: Uncertain significance (2); Likely benign (1). Last evaluated 2025-12-15.

Allele frequency attached by ClinVar (database versions not stated): gnomAD 0.00001 and 0.00002; TOPMed 0.00005; gnomAD exomes 0.00006 and 0.00012; ExAC 0.00012; 1000 Genomes Project 0.00040; 1000 Genomes Project 30x 0.00047.
gnomAD v4.1: 38 of 1,614,072 alleles (0.0024%); highest among the groups gnomAD compares: Admixed American, 0.063%; no homozygotes.

Submissions (3):

Labcorp Genetics (formerly Invitae), Labcorp
Classification: Likely benign. Last evaluated: 2025-12-15. Review status: criteria provided, single submitter. Criteria: Invitae Variant Classification Sherloc (09022015). Collection method: clinical testing. Allele origin: germline.

GeneDx
Classification: Uncertain significance. Last evaluated: 2022-12-29. Review status: criteria provided, single submitter. Criteria: GeneDx Variant Classification Process June 2021. Collection method: clinical testing. Allele origin: germline. Affected: yes.
Comment: In silico analysis supports that this missense variant has a deleterious effect on protein structure/function; Has not been previously published as pathogenic or benign to our knowledge

Revvity Omics, Revvity
Classification: Uncertain significance. Last evaluated: 2021-05-26. Review status: criteria provided, single submitter. Criteria: ACMG Guidelines, 2015. Collection method: clinical testing. Allele origin: germline.